The following is an entry in ClinVar:

NM_032040.5(CCDC8):c.287C>G (p.Thr96Arg)

Gene: CCDC8 (coiled-coil domain containing 8 subunit of 3M complex; minus strand). Cytogenetic location: 19q13.32.
Variant type: single nucleotide variant.
Coding change: c.287C>G on transcript NM_032040.5 (MANE Select); coding-DNA position 287, C replaced by G.
Protein change: p.Thr96Arg; replaces threonine 96 with arginine.
Molecular consequence: missense variant.
Genome position (GRCh38, 1-based): chr19:46,412,524, G>C on the plus strand (C>G on the coding strand, the complement: CCDC8 is on the minus strand). VCF-style: chr19-46412524-G-C. GRCh37 (hg19) VCF-style: chr19-46915781-G-C.
Other names: c.287C>G (NM_032040.3); short protein forms T96R.
Identifiers: ClinVar variation 1028422 (VCV001028422.7), dbSNP rs758816408, ClinGen allele CA9528742.

ClinVar aggregate classification (germline): Uncertain significance. Review status: criteria provided, multiple submitters, no conflicts (2 of 4 stars). 3 submissions from 3 submitters: Uncertain significance (3). Last evaluated 2022-11-22.

Conditions:
3M syndrome 3. Also called: THREE M SYNDROME 3; 3-M Syndrome, CCDC8-Related. Identifiers: Orphanet 2616, MedGen C3280146, MONDO:0013627, OMIM 614205.
Inborn genetic diseases. Identifiers: MedGen C0950123, MeSH D030342.

Allele frequency attached by ClinVar (database versions not stated): ExAC 0.00002; gnomAD 0.00003; gnomAD exomes 0.00003; TOPMed 0.00006.

Submissions (3):

Labcorp Genetics (formerly Invitae), Labcorp
Classification: Uncertain significance. Last evaluated: 2022-11-22. Review status: criteria provided, single submitter. Criteria: Invitae Variant Classification Sherloc (09022015). Collection method: clinical testing. Allele origin: germline.
Comment: In summary, the available evidence is currently insufficient to determine the role of this variant in disease. Therefore, it has been classified as a Variant of Uncertain Significance. Algorithms developed to predict the effect of missense changes on protein structure and function (SIFT, PolyPhen-2, Align-GVGD) all suggest that this variant is likely to be disruptive. ClinVar contains an entry for this variant (Variation ID: 1028422). This variant has not been reported in the literature in individuals affected with CCDC8-related conditions. This variant is present in population databases (rs758816408, gnomAD 0.004%). This sequence change replaces threonine, which is neutral and polar, with arginine, which is basic and polar, at codon 96 of the CCDC8 protein (p.Thr96Arg).

Ambry Genetics
Classification: Uncertain significance for Inborn genetic diseases. Last evaluated: 2022-06-30. Review status: criteria provided, single submitter. Criteria: Ambry Variant Classification Scheme 2023. Collection method: clinical testing. Allele origin: germline.

Baylor Genetics
Classification: Uncertain significance for 3M syndrome 3. Last evaluated: 2019-03-27. Review status: criteria provided, single submitter. Criteria: ACMG Guidelines, 2015. Collection method: clinical testing. Allele origin: unknown. Affected: yes.
Comment: This variant was determined to be of uncertain significance according to ACMG Guidelines, 2015 [PMID:25741868].